The following is an entry in ClinVar:

NM_015412.4(RMP64):c.*1A>G

Gene: RMP64 (ribonuclease MRP subunit p64; minus strand). Cytogenetic location: 3q13.2.
Variant type: single nucleotide variant.
Coding change: c.*1A>G on transcript NM_015412.4 (MANE Select); 1 bases downstream of the stop codon, A replaced by G.
Molecular consequence: 3 prime UTR variant. On other transcripts: non-coding transcript variant (1).
Genome position (GRCh38, 1-based): chr3:113,005,535, T>C on the plus strand (A>G on the coding strand, the complement: RMP64 is on the minus strand). VCF-style: chr3-113005535-T-C. GRCh37 (hg19) VCF-style: chr3-112724382-T-C.
Other names: c.*1A>G (NM_001319109.2, NM_001319110.2, NM_001319111.2 and 3 more transcripts).
Identifiers: ClinVar variation 4988878 (VCV004988878.1).

ClinVar aggregate classification (germline): Likely benign (1 of 4 stars; one submission).

Conditions:
RMP64-related condition.

gnomAD v4.1: 43 of 1,584,950 alleles (0.0027%); highest among the groups gnomAD compares: Non-Finnish European, 0.0036%; no homozygotes.

Submission:

PreventionGenetics, part of Exact Sciences
Classification: Likely benign for RMP64-related condition. Last evaluated: 2026-04-11. Review status: criteria provided, single submitter. Criteria: ACMG Guidelines, 2015. Collection method: clinical testing. Allele origin: germline.
Comment: This variant is classified as likely benign based on ACMG/AMP sequence variant interpretation guidelines (Richards et al. 2015 PMID: 25741868, with internal and published modifications).